The following is an entry in ClinVar:

NM_007194.4(CHEK2):c.25G>A (p.Ala9Thr)

Gene: CHEK2 (checkpoint kinase 2; minus strand). Cytogenetic location: 22q12.1.
Variant type: single nucleotide variant.
Coding change: c.25G>A on transcript NM_007194.4 (MANE Select); coding-DNA position 25, G replaced by A.
Protein change: p.Ala9Thr; replaces alanine 9 with threonine.
Molecular consequence: missense variant.
Genome position (GRCh38, 1-based): chr22:28,734,697, C>T on the plus strand (G>A on the coding strand, the complement: CHEK2 is on the minus strand). VCF-style: chr22-28734697-C-T. GRCh37 (hg19) VCF-style: chr22-29130685-C-T.
Other names: c.25G>A, p.Ala9Thr (NM_001005735.3, NM_001349956.3, NM_145862.3); c.-753G>A (NM_001257387.3); short protein forms A9T.
Identifiers: ClinVar variation 240743 (VCV000240743.12), dbSNP rs757530141, ClinGen allele CA10583919.

ClinVar aggregate classification (germline): Uncertain significance. Review status: criteria provided, multiple submitters, no conflicts (2 of 4 stars). 4 submissions from 4 submitters: Uncertain significance (4). Last evaluated 2026-02-27.

Conditions:
Hereditary cancer-predisposing syndrome. Also called: Tumor predisposition; Hereditary neoplastic syndrome; Hereditary Cancer Syndrome; Neoplastic Syndromes, Hereditary. Identifiers: Orphanet 140162, MedGen C0027672, MeSH D009386, MONDO:0015356.
Familial cancer of breast. Also called: BREAST CANCER, FAMILIAL; hereditary breast carcinoma; Hereditary breast cancer. Identifiers: Orphanet 227535, MedGen C0346153, MONDO:0016419, OMIM 114480. Disease mechanism: loss of function.

Submissions (4):

Ambry Genetics
Classification: Uncertain significance for Hereditary cancer-predisposing syndrome. Last evaluated: 2026-02-27. Review status: criteria provided, single submitter. Criteria: Ambry Variant Classification Scheme 2023. Collection method: clinical testing. Allele origin: germline.
Comment: The p.A9T variant (also known as c.25G>A), located in coding exon 1 of the CHEK2 gene, results from a G to A substitution at nucleotide position 25. The alanine at codon 9 is replaced by threonine, an amino acid with similar properties. This amino acid position is poorly conserved in available vertebrate species. In addition, this alteration is predicted to be tolerated by in silico analysis. Based on the available evidence, the clinical significance of this variant remains unclear.

Labcorp Genetics (formerly Invitae), Labcorp
Classification: Uncertain significance for Familial cancer of breast. Last evaluated: 2025-04-07. Review status: criteria provided, single submitter. Criteria: Invitae Variant Classification Sherloc (09022015). Collection method: clinical testing. Allele origin: germline.
Comment: This sequence change replaces alanine, which is neutral and non-polar, with threonine, which is neutral and polar, at codon 9 of the CHEK2 protein (p.Ala9Thr). This variant is not present in population databases (gnomAD no frequency). This variant has not been reported in the literature in individuals affected with CHEK2-related conditions. ClinVar contains an entry for this variant (Variation ID: 240743). An algorithm developed to predict the effect of missense changes on protein structure and function (PolyPhen-2) suggests that this variant is likely to be tolerated. In summary, the available evidence is currently insufficient to determine the role of this variant in disease. Therefore, it has been classified as a Variant of Uncertain Significance.

Neuberg Centre For Genomic Medicine, NCGM
Classification: Uncertain significance for Familial cancer of breast. Last evaluated: 2023-06-02. Review status: criteria provided, single submitter. Criteria: ACMG Guidelines, 2015. Collection method: clinical testing. Allele origin: germline. Inheritance: Autosomal dominant inheritance. Affected: yes.
Comment: The missense c.25G>A (p.Ala9Thr) variant in the CHEK2 gene has not been reported previously as a pathogenic variant nor as a benign variant, to our knowledge. The variant is absent in gnomAD Exomes and 1000 Genomes. This variant has been reported to the ClinVar database as Uncertain Significance. However, no details are available for independent assessment. The amino acid Alanine at position 9 is changed to a Threonine changing protein sequence and it might alter its composition and physico-chemical properties. Multiple lines of computational evidence (Polyphen - Benign, SIFT - Tolerated and MutationTaster - Polymorphism) predict no damaging effect on protein structure and function for this variant. For these reasons, this variant has been classified as Uncertain Significance.

Color Diagnostics, LLC DBA Color Health
Classification: Uncertain significance for Hereditary cancer-predisposing syndrome. Last evaluated: 2023-01-24. Review status: criteria provided, single submitter. Criteria: ACMG Guidelines, 2015. Collection method: clinical testing. Allele origin: germline.
Comment: This missense variant replaces alanine with threonine at codon 9 of the CHEK2 protein. Computational prediction suggests that this variant may not impact protein structure and function (internally defined REVEL score threshold <= 0.5, PMID: 27666373). To our knowledge, functional studies have not been reported for this variant. This variant has not been reported in individuals affected with CHEK2-related disorders in the literature. This variant has not been identified in the general population by the Genome Aggregation Database (gnomAD). The available evidence is insufficient to determine the role of this variant in disease conclusively. Therefore, this variant is classified as a Variant of Uncertain Significance.